The following is an entry in ClinVar:

ClinVar aggregate classification (germline): Likely benign (1 of 4 stars; one submission).

Conditions:
SEMA3C-related disorder. Also called: SEMA3C-related condition.

gnomAD v4.1: 4 of 1,324,198 alleles (0.0003%); highest among the groups gnomAD compares: Non-Finnish European, 0.00041%; no homozygotes.

Submission:

PreventionGenetics, part of Exact Sciences
Classification: Likely benign for SEMA3C-related condition. Last evaluated: 2026-06-14. Review status: criteria provided, single submitter. Criteria: ACMG Guidelines, 2015. Collection method: clinical testing. Allele origin: germline.
Comment: This variant is classified as likely benign based on ACMG/AMP sequence variant interpretation guidelines (Richards et al. 2015 PMID: 25741868, with internal and published modifications).

NM_006379.5(SEMA3C):c.1444-7A>G

Gene: SEMA3C (semaphorin 3C; minus strand). Cytogenetic location: 7q21.11.
Variant type: single nucleotide variant.
Coding change: c.1444-7A>G on transcript NM_006379.5 (MANE Select); 7 bases into the intron before coding-DNA position 1444, A replaced by G.
Molecular consequence: intron variant.
Genome position (GRCh38, 1-based): chr7:80,761,664, T>C on the plus strand (A>G on the coding strand, the complement: SEMA3C is on the minus strand). VCF-style: chr7-80761664-T-C. GRCh37 (hg19) VCF-style: chr7-80390980-T-C.
Other names: c.1498-7A>G (NM_001350120.2); c.1270-7A>G (NM_001350121.2).
Identifiers: ClinVar variation 4983637 (VCV004983637.1).